The following is an entry in ClinVar:

NM_000213.5(ITGB4):c.2829C>T (p.Asp943=)

Gene: ITGB4 (integrin subunit beta 4; plus strand). Cytogenetic location: 17q25.1.
Variant type: single nucleotide variant.
Coding change: c.2829C>T on transcript NM_000213.5 (MANE Select); coding-DNA position 2829, C replaced by T.
Protein change: p.Asp943=; no amino-acid change (aspartic acid 943 retained).
Molecular consequence: synonymous variant.
Genome position (GRCh38, 1-based): chr17:75,742,628, C>T. VCF-style: chr17-75742628-C-T. GRCh37 (hg19) VCF-style: chr17-73738709-C-T.
Other names: c.2829C>T, p.Asp943= (NM_001005619.2, NM_001005731.3, NM_001321123.2).
Identifiers: ClinVar variation 2977673 (VCV002977673.5), dbSNP rs147068910, ClinGen allele CA8769595.

ClinVar aggregate classification (germline): Likely benign. Review status: criteria provided, single submitter (1 of 4 stars). 2 submissions from 2 submitters: Likely benign (1). 1 of the submissions does not count toward it. Last evaluated 2024-01-25.

Conditions:
ITGB4-related disorder. Also called: ITGB4-related condition.

Allele frequency attached by ClinVar (database versions not stated): TOPMed 0.00008; gnomAD 0.00011; ExAC 0.00013; ESP Exome Variant Server 0.00015; 1000 Genomes Project 0.00040; 1000 Genomes Project 30x 0.00047.
gnomAD v4.1: 88 of 1,614,038 alleles (0.0055%); highest among the groups gnomAD compares: South Asian, 0.058%; 1 homozygote.

Submissions (2):

Labcorp Genetics (formerly Invitae), Labcorp
Classification: Likely benign. Last evaluated: 2024-01-25. Review status: criteria provided, single submitter. Criteria: Invitae Variant Classification Sherloc (09022015). Collection method: clinical testing. Allele origin: germline.

PreventionGenetics, part of Exact Sciences
Classification: Likely benign for ITGB4-related condition. Last evaluated: 2023-04-18. Review status: no assertion criteria provided. Collection method: clinical testing. Allele origin: germline. Not counted in ClinVar's aggregate classification.
Comment: This variant is classified as likely benign based on ACMG/AMP sequence variant interpretation guidelines (Richards et al. 2015 PMID: 25741868, with internal and published modifications).